The following is an entry in ClinVar:

NM_000321.3(RB1):c.1784C>T (p.Pro595Leu)

Gene: RB1 (RB transcriptional corepressor 1; plus strand). Cytogenetic location: 13q14.2.
Variant type: single nucleotide variant.
Coding change: c.1784C>T on transcript NM_000321.3 (MANE Select); coding-DNA position 1784, C replaced by T.
Protein change: p.Pro595Leu; replaces proline 595 with leucine.
Molecular consequence: missense variant.
Genome position (GRCh38, 1-based): chr13:48,453,081, C>T. VCF-style: chr13-48453081-C-T. GRCh37 (hg19) VCF-style: chr13-49027217-C-T.
Other names: c.1784C>T, p.Pro595Leu (NM_001407165.1); short protein forms P595L.
Identifiers: ClinVar variation 2861464 (VCV002861464.3), dbSNP rs772068738, ClinGen allele CA032551.
Genomic context (GRCh38, chr13:48,453,081, plus strand): 5'-AATCAAAGGACCGAGAAGGACCAACTGATCACCTTGAATCTGCTTGTCCTCTTAATCTTC[C>T]TCTCCAGAATAATCACACTGCAGCAGATATGTAAGCAAAATATATGTTATGTTGACCATT-3'
Protein context (NP_000312.2, residues 585-605): HLESACPLNL[Pro595Leu]LQNNHTAADM

ClinVar aggregate classification (germline): Uncertain significance (1 of 4 stars; one submission).

Conditions:
Retinoblastoma (RB1). Also called: RETINOBLASTOMA, SOMATIC. Identifiers: Orphanet 790, MedGen C0035335, MeSH D012175, MONDO:0008380, OMIM 180200, HP:0009919. Disease mechanism: loss of function. Inheritance: Both sporadic and heritable forms are tested..

Allele frequency attached by ClinVar (database versions not stated): ExAC 0.00001.

Submission:

Labcorp Genetics (formerly Invitae), Labcorp
Classification: Uncertain significance for Retinoblastoma. Last evaluated: 2023-05-02. Review status: criteria provided, single submitter. Criteria: Invitae Variant Classification Sherloc (09022015). Collection method: clinical testing. Allele origin: germline.
Comment: This sequence change replaces proline, which is neutral and non-polar, with leucine, which is neutral and non-polar, at codon 595 of the RB1 protein (p.Pro595Leu). This variant is present in population databases (rs772068738, gnomAD 0.0009%). This variant has not been reported in the literature in individuals affected with RB1-related conditions. Advanced modeling of protein sequence and biophysical properties (such as structural, functional, and spatial information, amino acid conservation, physicochemical variation, residue mobility, and thermodynamic stability) performed at Invitae indicates that this missense variant is not expected to disrupt RB1 protein function. In summary, the available evidence is currently insufficient to determine the role of this variant in disease. Therefore, it has been classified as a Variant of Uncertain Significance.